The following is an entry in ClinVar:

NM_015404.4(WHRN):c.676G>C (p.Gly226Arg)

Gene: WHRN (whirlin; minus strand). Cytogenetic location: 9q32.
Variant type: single nucleotide variant.
Coding change: c.676G>C on transcript NM_015404.4 (MANE Select); coding-DNA position 676, G replaced by C.
Protein change: p.Gly226Arg; replaces glycine 226 with arginine.
Molecular consequence: missense variant. On other transcripts: 5 prime UTR variant (1).
Genome position (GRCh38, 1-based): chr9:114,478,714, C>G on the plus strand (G>C on the coding strand, the complement: WHRN is on the minus strand). VCF-style: chr9-114478714-C-G. GRCh37 (hg19) VCF-style: chr9-117240994-C-G.
Other names: c.-474G>C (NM_001083885.3); c.676G>C, p.Gly226Arg (NM_001173425.2); short protein forms G226R.
Identifiers: ClinVar variation 163055 (VCV000163055.5), dbSNP rs727502955, ClinGen allele CA175643.
Genomic context (GRCh38, chr9:114,478,714, plus strand): 5'-GGGAGATGCTGCGGCCCTGCGGGTCCACCCAGGTGTAGATGTGGTTGGTGACGTAGCCCC[C>G]AGGGATGCGCCCTGCTGAGTACACAGACAGCACCAGCTTCTTGGAGCCCTTCAGAGCCTA-3'
Protein context (NP_056219.3, residues 216-236): LSVYSAGRIP[Gly226Arg]GYVTNHIYTW

ClinVar aggregate classification (germline): Uncertain significance (1 of 4 stars; one submission).

Allele frequency attached by ClinVar (database versions not stated): TOPMed below 0.00001.

Submission:

Laboratory for Molecular Medicine, Mass General Brigham Personalized Medicine
Classification: Uncertain significance. Last evaluated: 2014-07-16. Review status: criteria provided, single submitter. Criteria: LMM Criteria. Collection method: clinical testing. Allele origin: germline. Observed: 1 variant allele.
Comment: The Gly226Arg variant in DFNB31 has not been previously reported in individuals with hearing loss and was absent from large population studies. Computational pr ediction tools and conservation analyses suggest this variant may impact the pro tein, though this information is not predictive enough to determine pathogenicit y. In summary, additional information is needed to fully assess the clinical sig nificance of this variant.